The following is an entry in ClinVar:

ClinVar aggregate classification (germline): Conflicting classifications of pathogenicity. Review status: criteria provided, conflicting classifications (1 of 4 stars). 5 submissions from 4 submitters: Uncertain significance (1); Benign (1); Likely benign (3). Last evaluated 2026-01-28.

Conditions:
Cardioencephalomyopathy, fatal infantile, due to cytochrome c oxidase deficiency 1 (MC4DN2). Also called: CYTOCHROME c OXIDASE DEFICIENCY, FATAL INFANTILE, WITH CARDIOENCEPHALOMYOPATHY; MITOCHONDRIAL COMPLEX IV DEFICIENCY, NUCLEAR TYPE 2. Identifiers: Orphanet 1561, MedGen C5399977, MONDO:0011451, OMIM 604377.
Mitochondrial complex IV deficiency, nuclear type 1 (MC4DN1). Also called: COX DEFICIENCY; Mitochondrial complex IV deficiency; Complex 4 mitochondrial respiratory chain deficiency; Deficiency of mitochondrial respiratory chain complex4; Complex IV deficiency. Identifiers: MedGen C5435656, MONDO:0700250, OMIM 220110. Disease mechanism: loss of function.

Allele frequency attached by ClinVar (database versions not stated): TOPMed 0.00027; gnomAD 0.00035; gnomAD exomes 0.00047; ExAC 0.00050; 1000 Genomes Project 30x 0.00078; 1000 Genomes Project 0.00080.
gnomAD v4.1: 295 of 1,614,036 alleles (0.018%); highest among the groups gnomAD compares: East Asian, 0.54%; 1 homozygote.

Submissions (5):

Labcorp Genetics (formerly Invitae), Labcorp
Classification: Benign. Last evaluated: 2026-01-28. Review status: criteria provided, single submitter. Criteria: Invitae Variant Classification Sherloc (09022015). Collection method: clinical testing. Allele origin: germline.

Blueprint Genetics
Classification: Likely benign. Last evaluated: 2024-11-06. Review status: criteria provided, single submitter. Criteria: ACMG Guidelines, 2015. Collection method: clinical testing. Allele origin: germline.

GeneDx
Classification: Likely benign. Last evaluated: 2020-04-17. Review status: criteria provided, single submitter. Criteria: GeneDx Variant Classification Process June 2021. Collection method: clinical testing. Allele origin: germline. Affected: yes.

Illumina Laboratory Services, Illumina
Classification: Likely benign for Cardioencephalomyopathy, fatal infantile, due to cytochrome c oxidase deficiency 1. Last evaluated: 2018-01-12. Review status: criteria provided, single submitter. Criteria: ICSL Variant Classification Criteria 13 December 2019. Collection method: clinical testing. Allele origin: germline.
Comment: This variant was observed in the ICSL laboratory as part of a predisposition screen in an ostensibly healthy population. It had not been previously curated by ICSL or reported in the Human Gene Mutation Database (HGMD: prior to June 1st, 2018), and was therefore a candidate for classification through an automated scoring system. Utilizing variant allele frequency, disease prevalence and penetrance estimates, and inheritance mode, an automated score was calculated to assess if this variant is too frequent to cause the disease. Based on the score and internal cut-off values, a variant classified as likely benign is not then subjected to further curation. The score for this variant resulted in a classification of likely benign for this disease.

Illumina Laboratory Services, Illumina
Classification: Uncertain significance for Mitochondrial complex IV deficiency, nuclear type 1. Last evaluated: 2018-01-12. Review status: criteria provided, single submitter. Criteria: ICSL Variant Classification Criteria 13 December 2019. Collection method: clinical testing. Allele origin: germline.

NM_005138.3(SCO2):c.576C>T (p.Thr192=)

Genes: NCAPH2 (non-SMC condensin II complex subunit H2; plus strand), SCO2 (synthesis of cytochrome C oxidase 2; minus strand). Cytogenetic location: 22q13.33.
Variant type: single nucleotide variant.
Coding change: c.576C>T on transcript NM_005138.3 (MANE Select); coding-DNA position 576, C replaced by T.
Protein change: p.Thr192=; no amino-acid change (threonine 192 retained).
Molecular consequence: synonymous variant. On other transcripts: 3 prime UTR variant (2).
Genome position (GRCh38, 1-based): chr22:50,523,836, G>A on the plus strand (C>T on the coding strand, the complement: SCO2 is on the minus strand). VCF-style: chr22-50523836-G-A. GRCh37 (hg19) VCF-style: chr22-50962265-G-A.
Other names: c.*461G>A (NM_001185011.2, NM_152299.4); c.576C>T, p.Thr192= (NM_001169109.2, NM_001169110.1, NM_001169111.2).
Identifiers: ClinVar variation 702033 (VCV000702033.18), dbSNP rs201909075, ClinGen allele CA10321170.